The following is an entry in ClinVar:

NM_007254.4(PNKP):c.498+23A>T

Gene: PNKP (polynucleotide kinase 3'-phosphatase; minus strand). Cytogenetic location: 19q13.33.
Variant type: single nucleotide variant.
Coding change: c.498+23A>T on transcript NM_007254.4 (MANE Select); 23 bases into the intron after coding-DNA position 498, A replaced by T.
Molecular consequence: intron variant.
Genome position (GRCh38, 1-based): chr19:49,865,104, T>A on the plus strand (A>T on the coding strand, the complement: PNKP is on the minus strand). VCF-style: chr19-49865104-T-A. GRCh37 (hg19) VCF-style: chr19-50368361-T-A.
Identifiers: ClinVar variation 159796 (VCV000159796.11), dbSNP rs1290649, ClinGen allele CA173307.
Genomic context (GRCh38, chr19:49,865,104, plus strand): 5'-GCTAAAAAGTTGAGAGCACGCAACAAACGTGGGATTGGGTCCCAGTCTGTGGCGGCTCCC[T>A]CAGCCCTCGGCGTGGCCCTCACCTTGCCCTGGGGTTTCACCCCAGCTGCGGTGAACACTA-3'

ClinVar aggregate classification (germline): Benign. Review status: criteria provided, multiple submitters, no conflicts (2 of 4 stars). 7 submissions from 5 submitters: Benign (6). 1 of the submissions does not count toward it. Last evaluated 2024-07-15.

Conditions:
Ataxia - oculomotor apraxia type 4. Identifiers: Orphanet 459033, MedGen C4225397, MONDO:0014557, OMIM 616267.
Microcephaly, seizures, and developmental delay. Identifiers: Orphanet 1934, MedGen C3150667, MONDO:0013254, OMIM 613402.
Charcot-Marie-Tooth disease type 2B2 (CMT2B2). Also called: CHARCOT-MARIE-TOOTH DISEASE, AXONAL, AUTOSOMAL RECESSIVE, TYPE 2B2; CHARCOT-MARIE-TOOTH DISEASE, AXONAL, TYPE 2B2; CHARCOT-MARIE-TOOTH DISEASE, NEURONAL, TYPE 2B2; Charcot-Marie-Tooth Neuropathy Type 2B2. Identifiers: Orphanet 101101, MedGen C1854150, MONDO:0011570, OMIM 605589.

Allele frequency attached by ClinVar (database versions not stated): 1000 Genomes Project 30x 0.37477; 1000 Genomes Project 0.37540; gnomAD exomes 0.38184; TOPMed 0.38965; ESP Exome Variant Server 0.39246; gnomAD 0.39437 and 0.39505.
gnomAD v4.1: 636,062 of 1,605,114 alleles (40%); highest among the groups gnomAD compares: Middle Eastern, 51%; 128,076 homozygotes.

Submissions (7):

Unidad de Genómica Garrahan, Hospital de Pediatría Garrahan
Classification: Benign. Last evaluated: 2024-07-15. Review status: criteria provided, single submitter. Criteria: ACMG Guidelines, 2015. Collection method: clinical testing. Allele origin: germline. Affected: no. Observed: 44 variant alleles.
Comment: This variant is classified as Benign based on local population frequency. This variant was detected in 47% of patients studied in a panel designed for Epileptic and Developmental Encephalopathy and Progressive Myoclonus Epilepsy. Number of patients: 44. Only high quality variants are reported.

Genome-Nilou Lab
Classification: Benign for Charcot-Marie-Tooth disease type 2B2. Last evaluated: 2021-10-25. Review status: criteria provided, single submitter. Criteria: ACMG Guidelines, 2015. Collection method: clinical testing. Allele origin: germline. Affected: no.

Genome-Nilou Lab
Classification: Benign for Ataxia - oculomotor apraxia type 4. Last evaluated: 2021-10-25. Review status: criteria provided, single submitter. Criteria: ACMG Guidelines, 2015. Collection method: clinical testing. Allele origin: germline. Affected: no.

Genome-Nilou Lab
Classification: Benign for Microcephaly, seizures, and developmental delay. Last evaluated: 2021-10-25. Review status: criteria provided, single submitter. Criteria: ACMG Guidelines, 2015. Collection method: clinical testing. Allele origin: germline. Affected: no.

GeneDx
Classification: Benign. Last evaluated: 2018-06-14. Review status: criteria provided, single submitter. Criteria: GeneDx Variant Classification (06012015). Collection method: clinical testing. Allele origin: germline. Affected: yes.
Comment: This variant is considered likely benign or benign based on one or more of the following criteria: it is a conservative change, it occurs at a poorly conserved position in the protein, it is predicted to be benign by multiple in silico algorithms, and/or has population frequency not consistent with disease.

Breakthrough Genomics
Classification: Benign. Review status: criteria provided, single submitter. Criteria: ACMG Guidelines, 2015. Collection method: not provided. Allele origin: germline. Inheritance: Autosomal recessive inheritance. Affected: yes.

Genetic Services Laboratory, University of Chicago
Classification: Likely benign. Review status: no assertion criteria provided. Collection method: clinical testing. Allele origin: germline. Inheritance: Autosomal recessive inheritance. Not counted in ClinVar's aggregate classification.
Comment: Likely benign based on allele frequency in 1000 Genomes Project or ESP global frequency and its presence in a patient with a rare or unrelated disease phenotype. NOT Sanger confirmed